The following is an entry in ClinVar:

NM_013435.3(RAX):c.262_263delinsA (p.Ala88fs)

Gene: RAX (retina and anterior neural fold homeobox; minus strand). Cytogenetic location: 18q21.32.
Variant type: Indel.
Coding change: c.262_263delinsA on transcript NM_013435.3 (MANE Select); coding-DNA positions 262 to 263, GC replaced by A.
Protein change: p.Ala88fs; shifts the reading frame from alanine 88.
Molecular consequence: frameshift variant.
Genome position (GRCh38, 1-based): chr18:59,272,944-59,272,945, GC replaced by T on the plus strand (GC replaced by A on the coding strand, the reverse complement: RAX is on the minus strand). VCF-style: chr18-59272944-GC-T. GRCh37 (hg19) VCF-style: chr18-56940176-GC-T.
Other names: short protein forms A88fs.
Identifiers: ClinVar variation 504029 (VCV000504029.1), dbSNP rs1555667735, ClinGen allele CA658799080.

ClinVar aggregate classification (germline): Likely pathogenic (1 of 4 stars; one submission).

Submission:

GeneDx
Classification: Likely pathogenic. Last evaluated: 2017-12-29. Review status: criteria provided, single submitter. Criteria: GeneDx Variant Classification (06012015). Collection method: clinical testing. Allele origin: germline. Affected: yes.
Comment: The c.262_263delGCinsA variant in the RAX gene has not been reported previously as a pathogenic variant nor as a benign variant, to our knowledge. The c.262_263delGCinsA variant causes a frameshift starting with codon Alanine 88, changes this amino acid to a Threonine residue, and creates a premature Stop codon at position 115 of the new reading frame, denoted p.Ala88ThrfsX115. This variant is predicted to cause loss of normal protein function through protein truncation, as the last 259 amino acids are lost and replaced with 114 incorrect amino acids. The c.262_263delGCinsA variant is not observed in large population cohorts (Lek et al., 2016). We interpret c.262_263delGCinsA as a likely pathogenic variant.